The following is an entry in ClinVar:

ClinVar aggregate classification (germline): Uncertain significance. Review status: criteria provided, single submitter (1 of 4 stars). 2 submissions from 2 submitters: Uncertain significance (1). 1 of the submissions does not count toward it. Last evaluated 2022-08-20.

Conditions:
Tay-Sachs disease (TSD). Also called: HEXA Disorders; HEXA DEFICIENCY; Hexosaminidase A Deficiency; GM2 gangliosidosis, type 1; Hexosaminidase alpha-subunit deficiency (variant B); Sphingolipidosis, Tay-Sachs. Identifiers: Orphanet 845, MedGen C0039373, MONDO:0010100, OMIM 272800.

Allele frequency attached by ClinVar (database versions not stated): gnomAD exomes 0.00001 and 0.00003; ExAC 0.00003; TOPMed 0.00015; gnomAD 0.00017 and 0.00019.
gnomAD v4.1: 36 of 1,614,132 alleles (0.0022%); highest among the groups gnomAD compares: African/African-American, 0.045%; no homozygotes.

Submissions (2):

Labcorp Genetics (formerly Invitae), Labcorp
Classification: Uncertain significance for Tay-Sachs disease. Last evaluated: 2022-08-20. Review status: criteria provided, single submitter. Criteria: Invitae Variant Classification Sherloc (09022015). Collection method: clinical testing. Allele origin: germline.
Comment: This sequence change replaces aspartic acid, which is acidic and polar, with glycine, which is neutral and non-polar, at codon 492 of the HEXA protein (p.Asp492Gly). This variant is present in population databases (rs761736583, gnomAD 0.05%). This variant has not been reported in the literature in individuals affected with HEXA-related conditions. ClinVar contains an entry for this variant (Variation ID: 554871). Algorithms developed to predict the effect of missense changes on protein structure and function (SIFT, PolyPhen-2, Align-GVGD) all suggest that this variant is likely to be tolerated. In summary, the available evidence is currently insufficient to determine the role of this variant in disease. Therefore, it has been classified as a Variant of Uncertain Significance.

Counsyl
Classification: Uncertain significance for Tay-Sachs disease. Last evaluated: 2017-11-16. Review status: no assertion criteria provided. Collection method: clinical testing. Allele origin: unknown. Not counted in ClinVar's aggregate classification.

NM_000520.6(HEXA):c.1475A>G (p.Asp492Gly)

Gene: HEXA (hexosaminidase subunit alpha; minus strand). Cytogenetic location: 15q23.
Variant type: single nucleotide variant.
Coding change: c.1475A>G on transcript NM_000520.6 (MANE Select); coding-DNA position 1475, A replaced by G.
Protein change: p.Asp492Gly; replaces aspartic acid 492 with glycine.
Molecular consequence: missense variant. On other transcripts: non-coding transcript variant (1).
Genome position (GRCh38, 1-based): chr15:72,345,497, T>C on the plus strand (A>G on the coding strand, the complement: HEXA is on the minus strand). VCF-style: chr15-72345497-T-C. GRCh37 (hg19) VCF-style: chr15-72637838-T-C.
Other names: c.1508A>G, p.Asp503Gly (NM_001318825.2); short protein forms D492G, D503G.
Identifiers: ClinVar variation 554871 (VCV000554871.4), dbSNP rs761736583, ClinGen allele CA7644668.
Genomic context (GRCh38, chr15:72,345,497, plus strand): 5'-CTTGCTTACCTCAGCAATTCACAGCGGAAGTGTGACAAACGTTCATAGGCAAATGTCAGG[T>C]CAGATGTCAACTTGTTGCTCCACAGCCTTTCGGCAACAGCCCCTGCTCTGGGCCTGGAGG-3'
Protein context (NP_000511.2, residues 482-502): ERLWSNKLTS[Asp492Gly]LTFAYERLSH